The following is an entry in ClinVar:

NM_001041.4(SI):c.1888-1G>T

Gene: SI (sucrase-isomaltase; minus strand). Cytogenetic location: 3q26.1.
Variant type: single nucleotide variant.
Coding change: c.1888-1G>T on transcript NM_001041.4 (MANE Select); the canonical splice acceptor site of the intron before coding-DNA position 1888, G replaced by T.
Molecular consequence: splice acceptor variant.
Genome position (GRCh38, 1-based): chr3:165,043,176, C>A on the plus strand (G>T on the coding strand, the complement: SI is on the minus strand). VCF-style: chr3-165043176-C-A. GRCh37 (hg19) VCF-style: chr3-164760964-C-A.
Identifiers: ClinVar variation 4698979 (VCV004698979.1).

ClinVar aggregate classification (germline): Likely pathogenic (1 of 4 stars; one submission).

gnomAD v4.1: 5 of 1,591,854 alleles (0.00031%); highest among the groups gnomAD compares: Non-Finnish European, 0.00043%; no homozygotes.

Submission:

Labcorp Genetics (formerly Invitae), Labcorp
Classification: Likely pathogenic. Last evaluated: 2025-06-10. Review status: criteria provided, single submitter. Criteria: Invitae Variant Classification Sherloc (09022015). Collection method: clinical testing. Allele origin: germline.
Comment: This sequence change affects an acceptor splice site in intron 16 of the SI gene. It is expected to disrupt RNA splicing. Variants that disrupt the donor or acceptor splice site typically lead to a loss of protein function (PMID: 16199547), and loss-of-function variants in SI are known to be pathogenic (PMID: 16329100, 23103650, 25452324). This variant is not present in population databases (gnomAD no frequency). This variant has not been reported in the literature in individuals affected with SI-related conditions. Algorithms developed to predict the effect of sequence changes on RNA splicing suggest that this variant may disrupt the consensus splice site. In summary, the currently available evidence indicates that the variant is pathogenic, but additional data are needed to prove that conclusively. Therefore, this variant has been classified as Likely Pathogenic.

Literature cited by the submitters: PubMed 16199547; PubMed 16329100; PubMed 23103650; PubMed 25452324.